The following is an entry in ClinVar:

NM_007294.4(BRCA1):c.2836A>T (p.Ile946Phe)

Gene: BRCA1 (BRCA1 DNA repair associated; minus strand). Cytogenetic location: 17q21.31.
Variant type: single nucleotide variant.
Coding change: c.2836A>T on transcript NM_007294.4 (MANE Select); coding-DNA position 2836, A replaced by T.
Protein change: p.Ile946Phe; replaces isoleucine 946 with phenylalanine.
Molecular consequence: missense variant. On other transcripts: intron variant (137).
Genome position (GRCh38, 1-based): chr17:43,092,695, T>A on the plus strand (A>T on the coding strand, the complement: BRCA1 is on the minus strand). VCF-style: chr17-43092695-T-A. GRCh37 (hg19) VCF-style: chr17-41244712-T-A.
Other names: c.2623A>T, p.Ile875Phe (NM_001407571.1, NM_001407853.1, NM_001407894.1 and 9 more transcripts); c.2836A>T, p.Ile946Phe (NM_001407581.1, NM_001407582.1, NM_001407583.1 and 30 more transcripts); c.2833A>T, p.Ile945Phe (NM_001407587.1, NM_001407590.1, NM_001407591.1 and 22 more transcripts); c.2758A>T, p.Ile920Phe (NM_001407657.1, NM_001407658.1, NM_001407663.1 and 4 more transcripts); c.2755A>T, p.Ile919Phe (NM_001407659.1, NM_001407660.1, NM_001407661.1 and 1 more transcripts); c.2713A>T, p.Ile905Phe (NM_001407664.1, NM_001407665.1, NM_001407676.1 and 19 more transcripts); c.2695A>T, p.Ile899Phe (NM_001407696.1, NM_001407697.1, NM_001407698.1 and 29 more transcripts); c.2692A>T, p.Ile898Phe (NM_001407740.1, NM_001407741.1, NM_001407742.1 and 20 more transcripts); and 41 more; short protein forms I946F, I899F, I818F, I858F, I876F, I898F, I904F, I905F.
Identifiers: ClinVar variation 234176 (VCV000234176.24), dbSNP rs876660901, ClinGen allele CA10580595.

ClinVar aggregate classification (germline): Conflicting classifications of pathogenicity. Review status: criteria provided, conflicting classifications (1 of 4 stars). 8 submissions from 8 submitters: Uncertain significance (6); Likely benign (2). Last evaluated 2025-12-28.

Conditions:
Hereditary breast ovarian cancer syndrome. Also called: Breast and ovarian cancer; Hereditary breast and ovarian cancer; Hereditary breast and ovarian cancer syndrome; Hereditary breast and/or ovarian cancer syndrome; BRCA1- and BRCA2-Associated Hereditary Breast and Ovarian Cancer; Hereditary breast and ovarian cancer syndrome (HBOC). Identifiers: Orphanet 145, MedGen C0677776, MeSH D061325, MONDO:0003582. Disease mechanism: loss of function.
Breast-ovarian cancer, familial, susceptibility to, 1 (BROVCA1). Also called: BRCA1 Hereditary Breast and Ovarian Cancer; OVARIAN CANCER, SUSCEPTIBILITY TO. Identifiers: Orphanet 145, MedGen C2676676, MONDO:0011450, OMIM 604370. Disease mechanism: loss of function.
Hereditary cancer-predisposing syndrome. Also called: Tumor predisposition; Hereditary Cancer Syndrome; Neoplastic Syndromes, Hereditary; Hereditary neoplastic syndrome. Identifiers: Orphanet 140162, MedGen C0027672, MeSH D009386, MONDO:0015356.
BRCA1-related cancer predisposition. Identifiers: MedGen CN377757, MONDO:0700268.

Allele frequency attached by ClinVar (database versions not stated): gnomAD exomes below 0.00001.
gnomAD v4.1: 1 of 1,614,136 alleles (0.000062%); highest among the groups gnomAD compares: Admixed American, 0.0017%; no homozygotes.

Submissions (8):

Labcorp Genetics (formerly Invitae), Labcorp
Classification: Uncertain significance for Hereditary breast ovarian cancer syndrome. Last evaluated: 2025-12-28. Review status: criteria provided, single submitter. Criteria: Invitae Variant Classification Sherloc (09022015). Collection method: clinical testing. Allele origin: germline.
Comment: This sequence change replaces isoleucine, which is neutral and non-polar, with phenylalanine, which is neutral and non-polar, at codon 946 of the BRCA1 protein (p.Ile946Phe). This variant is present in population databases (no rsID available, gnomAD 0.003%). This variant has not been reported in the literature in individuals affected with BRCA1-related conditions. ClinVar contains an entry for this variant (Variation ID: 234176). Invitae Evidence Modeling of protein sequence and biophysical properties (such as structural, functional, and spatial information, amino acid conservation, physicochemical variation, residue mobility, and thermodynamic stability) has been performed for this missense variant. However, the output from this modeling did not meet the statistical confidence thresholds required to predict the impact of this variant on BRCA1 protein function. In summary, the available evidence is currently insufficient to determine the role of this variant in disease. Therefore, it has been classified as a Variant of Uncertain Significance.

Myriad Genetics, Inc.
Classification: Likely benign for Breast-ovarian cancer, familial, susceptibility to, 1. Last evaluated: 2025-05-14. Review status: criteria provided, single submitter. Criteria: Myriad Autosomal Dominant, Autosomal Recessive and X-Linked Classification Criteria (2023). Collection method: clinical testing. Allele origin: unknown.
Comment: This variant is considered likely benign. This variant is strongly associated with less severe personal and family histories of cancer, typical for individuals without pathogenic variants in this gene [PMID: 25085752].

Ambry Genetics
Classification: Uncertain significance for Hereditary cancer-predisposing syndrome. Last evaluated: 2025-01-17. Review status: criteria provided, single submitter. Criteria: Ambry Variant Classification Scheme 2023. Collection method: clinical testing. Allele origin: germline.
Comment: The p.I946F variant (also known as c.2836A>T), located in coding exon 9 of the BRCA1 gene, results from an A to T substitution at nucleotide position 2836. The isoleucine at codon 946 is replaced by phenylalanine, an amino acid with highly similar properties. This amino acid position is not well conserved in available vertebrate species. In addition, the in silico prediction for this alteration is inconclusive. Since supporting evidence is limited at this time, the clinical significance of this alteration remains unclear.

GeneDx
Classification: Uncertain significance. Last evaluated: 2025-01-14. Review status: criteria provided, single submitter. Criteria: GeneDx Variant Classification Process June 2021. Collection method: clinical testing. Allele origin: germline.
Comment: In silico analysis supports that this missense variant has a deleterious effect on protein structure/function; Not observed at significant frequency in large population cohorts (gnomAD); Identified in individuals referred for multi-gene panel testing with personal or family history of cancer (PMID: 31853058); Also known as 2955A>T; This variant is associated with the following publications: (PMID: 28481359, 29884841, 32377563, 31911673, 15343273, 9774970, 31853058)

All of Us Research Program, National Institutes of Health
Classification: Uncertain significance for BRCA1-related cancer predisposition. Last evaluated: 2024-08-06. Review status: criteria provided, single submitter. Criteria: ACMG Guidelines, 2015. Collection method: clinical testing. Allele origin: germline. Inheritance: Autosomal dominant inheritance. Observed: 3 variant alleles, 3 heterozygotes.
Comment: This missense variant replaces isoleucine with phenylalanine at codon 946 of the BRCA1 protein. Computational prediction suggests that this variant may not impact protein structure and function (internally defined REVEL score threshold <= 0.5, PMID: 27666373). To our knowledge, functional studies have not been reported for this variant. This variant has not been reported in individuals affected with hereditary cancer in the literature. This variant has been identified in 1/251308 chromosomes in the general population by the Genome Aggregation Database (gnomAD). The available evidence is insufficient to determine the role of this variant in disease conclusively. Therefore, this variant is classified as a Variant of Uncertain Significance.

This study involves interpretation of variants in research participants for the purpose of population health screening. Participant phenotype was not available at the time of variant classification. Additional details can be found in publication PMID: 35346344, PMCID: PMC8962531

Color Diagnostics, LLC DBA Color Health
Classification: Uncertain significance for Hereditary cancer-predisposing syndrome. Last evaluated: 2024-03-21. Review status: criteria provided, single submitter. Criteria: ACMG Guidelines, 2015. Collection method: clinical testing. Allele origin: germline.
Comment: This missense variant replaces isoleucine with phenylalanine at codon 946 of the BRCA1 protein. Computational prediction suggests that this variant may not impact protein structure and function. To our knowledge, functional studies have not been reported for this variant. This variant has not been reported in individuals affected with BRCA1-related disorders in the literature. This variant has been identified in 1/251308 chromosomes in the general population by the Genome Aggregation Database (gnomAD). The available evidence is insufficient to determine the role of this variant in disease conclusively. Therefore, this variant is classified as a Variant of Uncertain Significance.

University of Washington Department of Laboratory Medicine, University of Washington
Classification: Likely benign for Hereditary cancer-predisposing syndrome. Last evaluated: 2023-03-23. Review status: criteria provided, single submitter. Criteria: Dines et al. (Genet Med. 2020). Collection method: curation. Allele origin: germline.
Comment: Missense variant in a coldspot region where missense variants are very unlikely to be pathogenic (PMID:31911673).

BRCA1 coldspot (exon 11 using historical exon numbering). Reclassification based on statistical prior probability

Women's Health and Genetics/Laboratory Corporation of America, LabCorp
Classification: Uncertain significance. Last evaluated: 2017-12-18. Review status: criteria provided, single submitter. Criteria: LabCorp Variant Classification Summary - May 2015. Collection method: clinical testing. Allele origin: germline.
Comment: Variant summary: The BRCA1 c.2836A>T (p.Ile946Phe) variant involves the alteration of a non-conserved nucleotide and is predicted to be benign by 2/4 in silico (SNPsandGO not captured due to low reliability index). However, these predictions have yet to be functionally assessed. This variant was found in 1/246068 control chromosomes (gnomAD) at a frequency of 0.000004064, which does not exceed the estimated maximal expected allele frequency of a pathogenic BRCA1 variant (0.0010005). One clinical diagnostic laboratory has classified this variant as uncertain significance. The variant of interest has not, to our knowledge, been reported in affected individuals via publications, nor has it been evaluated for functional impact by in vivo/vitro studies. Because of the absence of clinical information and the lack of functional studies, the variant is classified as a variant of uncertain significance (VUS), until additional information becomes available.

Literature cited by the submitters: PubMed 25085752 (cited by Myriad Genetics, Inc.).